The following is an entry in ClinVar:

ClinVar aggregate classification (germline): Uncertain significance (1 of 4 stars; one submission).

Conditions:
Familial adenomatous polyposis 1 (FAP1). Also called: FAMILIAL ADENOMATOUS POLYPOSIS 1, ATTENUATED; POLYPOSIS, ADENOMATOUS INTESTINAL. Identifiers: MedGen C2713442, MONDO:0021056, OMIM 175100. Disease mechanism: loss of function.

Allele frequency attached by ClinVar (database versions not stated): gnomAD exomes below 0.00001.
gnomAD v4.1: 2 of 652,682 alleles (0.00031%); highest among the groups gnomAD compares: Non-Finnish European, 0.00048%; no homozygotes.

Submission:

Labcorp Genetics (formerly Invitae), Labcorp
Classification: Uncertain significance for Familial adenomatous polyposis 1. Last evaluated: 2024-12-16. Review status: criteria provided, single submitter. Criteria: Invitae Variant Classification Sherloc (09022015). Collection method: clinical testing. Allele origin: germline.
Comment: This variant occurs in a non-coding region of the APC gene. It does not change the encoded amino acid sequence of the APC protein. This variant is not present in population databases (gnomAD no frequency). This variant has not been reported in the literature in individuals affected with APC-related conditions. Experimental studies and prediction algorithms are not available or were not evaluated, and the functional significance of this variant is currently unknown. In summary, the available evidence is currently insufficient to determine the role of this variant in disease. Therefore, it has been classified as a Variant of Uncertain Significance.

NM_001127511.3(APC):c.-160G>A

Gene: APC (APC regulator of Wnt signaling pathway; plus strand). Cytogenetic location: 5q22.2.
Variant type: single nucleotide variant.
Coding change: c.-160G>A on transcript NM_001127511.3; 160 bases upstream of the start codon, G replaced by A.
Molecular consequence: 5 prime UTR variant. On other transcripts: non-coding transcript variant (2).
Genome position (GRCh38, 1-based): chr5:112,707,558, G>A. VCF-style: chr5-112707558-G-A. GRCh37 (hg19) VCF-style: chr5-112043255-G-A.
Other names: c.-343G>A (NM_001354895.2, NM_001407447.1, NM_001407452.1 and 3 more transcripts); c.-160G>A (NM_001354897.2, NM_001354902.2, NM_001407446.1); c.-110G>A (NM_001407448.1, NM_001407450.1, NM_001407457.1 and 1 more transcripts); c.-134G>A (NM_001407453.1); c.-1378G>A (NM_001407470.1, NM_001407472.1).
Identifiers: ClinVar variation 1052954 (VCV001052954.7), dbSNP rs1750576410, ClinGen allele CA1573442438.